The following is an entry in ClinVar:

NM_004484.4(GPC3):c.78_86dup (p.Pro29_Pro31dup)

Gene: GPC3 (glypican 3; minus strand). Cytogenetic location: Xq26.2.
Variant type: Duplication.
Coding change: c.78_86dup on transcript NM_004484.4 (MANE Select); coding-DNA positions 78 to 86, 9 bases duplicated (CCCGCCGCC; older notation c.78_86dupCCCGCCGCC).
Protein change: p.Pro29_Pro31dup.
Molecular consequence: inframe insertion.
Genome position (GRCh38, 1-based): chrX:133,985,364-133,985,372, GGCGGCGGG duplicated on the plus strand (CCCGCCGCC on the coding strand, the reverse complement: GPC3 is on the minus strand); duplicating any 9 consecutive bases within chrX:133,985,364-133,985,375 gives the same sequence; the c. name uses the placement nearest the transcript's 3' end. VCF-style (leftmost placement, unchanged base first): chrX-133985363-C-CGGCGGCGGG. GRCh37 (hg19) VCF-style: chrX-133119390-C-CGGCGGCGGG.
Other names: c.78_86dup, p.Pro29_Pro31dup (NM_001164617.2, NM_001164618.2, NM_001164619.2).
Identifiers: ClinVar variation 834943 (VCV000834943.10), dbSNP rs2076563342, ClinGen allele CA916081979.
Genomic context (GRCh38, chrX:133,985,363, plus strand): 5'-GAGTCCGGGCTGCAGTCTCTGGAAGAAGGAGCGGACTTGGTGACAGGTGGCGTCCGGCGG[C>CGGCGGCGGG]GGCGGCGGGGGCTGCGCCTGTCCCGGGAAGTCCAAGCTGAGCAGCATCGCCACCACCAAG-3'

ClinVar aggregate classification (germline): Uncertain significance (1 of 4 stars; one submission).

Conditions:
Wilms tumor 1 (WT1). Also called: Wilms tumor, somatic. Identifiers: Orphanet 654, MedGen CN033288, MONDO:0008679, OMIM 194070.

Submission:

Labcorp Genetics (formerly Invitae), Labcorp
Classification: Uncertain significance for Wilms tumor 1. Last evaluated: 2024-10-07. Review status: criteria provided, single submitter. Criteria: Invitae Variant Classification Sherloc (09022015). Collection method: clinical testing. Allele origin: germline.
Comment: This variant, c.78_86dup, results in the insertion of 3 amino acid(s) of the GPC3 protein (p.Pro29_Pro31dup), but otherwise preserves the integrity of the reading frame. This variant is not present in population databases (gnomAD no frequency). This variant has not been reported in the literature in individuals affected with GPC3-related conditions. ClinVar contains an entry for this variant (Variation ID: 834943). Experimental studies and prediction algorithms are not available or were not evaluated, and the functional significance of this variant is currently unknown. In summary, the available evidence is currently insufficient to determine the role of this variant in disease. Therefore, it has been classified as a Variant of Uncertain Significance.